The following is an entry in ClinVar:

NM_022051.3(EGLN1):c.950C>G (p.Pro317Arg)

Gene: EGLN1 (egl-9 family hypoxia inducible factor 1; minus strand). Cytogenetic location: 1q42.2.
Variant type: single nucleotide variant.
Coding change: c.950C>G on transcript NM_022051.3 (MANE Select); coding-DNA position 950, C replaced by G.
Protein change: p.Pro317Arg; replaces proline 317 with arginine.
Molecular consequence: missense variant.
Genome position (GRCh38, 1-based): chr1:231,374,041, G>C on the plus strand (C>G on the coding strand, the complement: EGLN1 is on the minus strand). VCF-style: chr1-231374041-G-C. GRCh37 (hg19) VCF-style: chr1-231509787-G-C.
Other names: c.950C>G (NM_022051.2); c.950C>G, p.Pro317Arg (NM_001377260.1, NM_001377261.1); short protein forms P317R.
Identifiers: ClinVar variation 4355 (VCV000004355.6), dbSNP rs80358193, ClinGen allele CA116774.

ClinVar aggregate classification (germline): Conflicting classifications of pathogenicity. Review status: criteria provided, conflicting classifications (1 of 4 stars). 3 submissions from 3 submitters: Pathogenic (1); Uncertain significance (1). 1 of the submissions does not count toward it. Last evaluated 2025-03-30.

Conditions:
Erythrocytosis, familial, 3 (ECYT3). Identifiers: Orphanet 247511, MedGen C1853286, MONDO:0012353, OMIM 609820.

Allele frequency attached by ClinVar (database versions not stated): gnomAD exomes below 0.00001; TOPMed below 0.00001.
gnomAD v4.1: 1 of 1,613,300 alleles (0.000062%); no homozygotes.

Submissions (3):

Labcorp Genetics (formerly Invitae), Labcorp
Classification: Pathogenic for Erythrocytosis, familial, 3. Last evaluated: 2025-03-30. Review status: criteria provided, single submitter. Criteria: Invitae Variant Classification Sherloc (09022015). Collection method: clinical testing. Allele origin: germline.
Comment: This sequence change replaces proline, which is neutral and non-polar, with arginine, which is basic and polar, at codon 317 of the EGLN1 protein (p.Pro317Arg). This variant is not present in population databases (gnomAD no frequency). This missense change has been observed in individuals with familial erythrocytosis (PMID: 16407130, 28400504). It has also been observed to segregate with disease in related individuals. ClinVar contains an entry for this variant (Variation ID: 4355). An algorithm developed to predict the effect of missense changes on protein structure and function (PolyPhen-2) suggests that this variant is likely to be disruptive. Experimental studies have shown that this missense change affects EGLN1 function (PMID: 16407130, 24121508). For these reasons, this variant has been classified as Pathogenic.

Ambry Genetics
Classification: Uncertain significance. Last evaluated: 2024-11-07. Review status: criteria provided, single submitter. Criteria: Ambry Variant Classification Scheme 2023. Collection method: clinical testing. Allele origin: germline.
Comment: The p.P317R variant (also known as c.950C>G), located in coding exon 2 of the EGLN1 gene, results from a C to G substitution at nucleotide position 950. The proline at codon 317 is replaced by arginine, an amino acid with dissimilar properties. This amino acid position is highly conserved in available vertebrate species. In addition, this alteration is predicted to be deleterious by in silico analysis. The evidence for this gene-disease relationship is limited (with respect to EGLN1-related pheochromocytoma-paraganglioma syndrome); therefore, the clinical significance of this alteration is unclear.

OMIM
Classification: Pathogenic for ERYTHROCYTOSIS, FAMILIAL, 3. Last evaluated: 2024-09-26. Review status: no assertion criteria provided. Collection method: literature only. Allele origin: germline. Not counted in ClinVar's aggregate classification.

Literature cited by the submitters: PubMed 16407130 (cited by Labcorp Genetics (formerly Invitae), Labcorp and Ambry Genetics); PubMed 28400504 (cited by Labcorp Genetics (formerly Invitae), Labcorp and Ambry Genetics); PubMed 24121508 (cited by Labcorp Genetics (formerly Invitae), Labcorp and Ambry Genetics); PubMed 18834144 (cited by Ambry Genetics); PubMed 27561929 (cited by Ambry Genetics); PubMed 27774468 (cited by Ambry Genetics); PubMed 30144273 (cited by Ambry Genetics); PubMed 30575721 (cited by Ambry Genetics); PubMed 37001005 (cited by OMIM).